The following is an entry in ClinVar:

ClinVar aggregate classification (germline): Uncertain significance. Review status: criteria provided, multiple submitters, no conflicts (2 of 4 stars). 2 submissions from 2 submitters: Uncertain significance (2). Last evaluated 2021-12-27.

Conditions:
Inborn genetic diseases. Identifiers: MedGen C0950123, MeSH D030342.

gnomAD v4.1: 5 of 1,599,588 alleles (0.00031%); highest among the groups gnomAD compares: Admixed American, 0.0083%; no homozygotes.

Submissions (2):

Labcorp Genetics (formerly Invitae), Labcorp
Classification: Uncertain significance. Last evaluated: 2021-12-27. Review status: criteria provided, single submitter. Criteria: Invitae Variant Classification Sherloc (09022015). Collection method: clinical testing. Allele origin: germline.
Comment: The frequency data for this variant in the population databases is considered unreliable, as metrics indicate poor data quality at this position in the gnomAD database. In summary, the available evidence is currently insufficient to determine the role of this variant in disease. Therefore, it has been classified as a Variant of Uncertain Significance. Algorithms developed to predict the effect of missense changes on protein structure and function are either unavailable or do not agree on the potential impact of this missense change (SIFT: "Deleterious"; PolyPhen-2: "Possibly Damaging"; Align-GVGD: "Class C15"). This variant has not been reported in the literature in individuals affected with SLC18A3-related conditions. This sequence change replaces arginine, which is basic and polar, with serine, which is neutral and polar, at codon 212 of the SLC18A3 protein (p.Arg212Ser).

Ambry Genetics
Classification: Uncertain significance for Inborn genetic diseases. Last evaluated: 2021-06-22. Review status: criteria provided, single submitter. Criteria: Ambry Variant Classification Scheme 2023. Collection method: clinical testing. Allele origin: germline.

NM_003055.3(SLC18A3):c.634C>A (p.Arg212Ser)

Genes: CHAT (choline O-acetyltransferase; plus strand), SLC18A3 (solute carrier family 18 member A3; plus strand). Cytogenetic location: 10q11.23.
Variant type: single nucleotide variant.
Coding change: c.634C>A on transcript NM_003055.3 (MANE Select); coding-DNA position 634, C replaced by A.
Protein change: p.Arg212Ser; replaces arginine 212 with serine.
Molecular consequence: missense variant. On other transcripts: intron variant (1).
Genome position (GRCh38, 1-based): chr10:49,611,374, C>A. VCF-style: chr10-49611374-C-A. GRCh37 (hg19) VCF-style: chr10-50819420-C-A.
Other names: c.-69+2175C>A (NM_020984.4); short protein forms R212S.
Identifiers: ClinVar variation 1897293 (VCV001897293.5), dbSNP rs776734969, ClinGen allele CA376719839.